The following is an entry in ClinVar:

NM_001371623.1(TCOF1):c.481G>T (p.Ala161Ser)

Gene: TCOF1 (treacle ribosome biogenesis factor 1; plus strand). Cytogenetic location: 5q32.
Variant type: single nucleotide variant.
Coding change: c.481G>T on transcript NM_001371623.1 (MANE Select); coding-DNA position 481, G replaced by T.
Protein change: p.Ala161Ser; replaces alanine 161 with serine.
Molecular consequence: missense variant.
Genome position (GRCh38, 1-based): chr5:150,368,818, G>T. VCF-style: chr5-150368818-G-T. GRCh37 (hg19) VCF-style: chr5-149748381-G-T.
Other names: c.481G>T (NM_001135243.1); c.481G>T, p.Ala161Ser (NM_000356.4, NM_001008657.3, NM_001135243.2 and 3 more transcripts); short protein forms A161S.
Identifiers: ClinVar variation 1041979 (VCV001041979.10), dbSNP rs370631849, ClinGen allele CA3510570.

ClinVar aggregate classification (germline): Uncertain significance. Review status: criteria provided, multiple submitters, no conflicts (2 of 4 stars). 2 submissions from 2 submitters: Uncertain significance (2). Last evaluated 2023-11-27.

Conditions:
Inborn genetic diseases. Identifiers: MedGen C0950123, MeSH D030342.
Treacher Collins syndrome 1 (TCS1). Also called: TCOF1-Related Treacher Collins Syndrome. Identifiers: Orphanet 861, MedGen CN315775, MONDO:0007944, OMIM 154500.

Allele frequency attached by ClinVar (database versions not stated): ExAC 0.00002; TOPMed 0.00001.
gnomAD v4.1: 7 of 1,614,092 alleles (0.00043%); highest among the groups gnomAD compares: East Asian, 0.0067%; no homozygotes.

Submissions (2):

Labcorp Genetics (formerly Invitae), Labcorp
Classification: Uncertain significance for Treacher Collins syndrome 1. Last evaluated: 2023-11-27. Review status: criteria provided, single submitter. Criteria: Invitae Variant Classification Sherloc (09022015). Collection method: clinical testing. Allele origin: germline.
Comment: This sequence change replaces alanine, which is neutral and non-polar, with serine, which is neutral and polar, at codon 161 of the TCOF1 protein (p.Ala161Ser). This variant is present in population databases (rs370631849, gnomAD 0.03%). This variant has not been reported in the literature in individuals affected with TCOF1-related conditions. ClinVar contains an entry for this variant (Variation ID: 1041979). Advanced modeling of protein sequence and biophysical properties (such as structural, functional, and spatial information, amino acid conservation, physicochemical variation, residue mobility, and thermodynamic stability) performed at Invitae indicates that this missense variant is not expected to disrupt TCOF1 protein function with a negative predictive value of 80%. In summary, the available evidence is currently insufficient to determine the role of this variant in disease. Therefore, it has been classified as a Variant of Uncertain Significance.

Ambry Genetics
Classification: Uncertain significance for Inborn genetic diseases. Last evaluated: 2023-11-18. Review status: criteria provided, single submitter. Criteria: Ambry Variant Classification Scheme 2023. Collection method: clinical testing. Allele origin: germline.